The following is an entry in ClinVar:

ClinVar aggregate classification (germline): Uncertain significance (1 of 4 stars; one submission).

Conditions:
POMC-related disorder. Also called: POMC-related condition; POMC-related disorders.

Submission:

PreventionGenetics, part of Exact Sciences
Classification: Uncertain significance for POMC-related condition. Last evaluated: 2024-10-17. Review status: criteria provided, single submitter. Criteria: ACMG Guidelines, 2015. Collection method: clinical testing. Allele origin: germline.
Comment: The POMC c.343C>T variant is predicted to result in the amino acid substitution p.Pro115Ser. To our knowledge, this variant has not been reported in a large population database (gnomAD), indicating this variant is rare. This variant was observed in a cohort of individuals with obesity, and in vitro functional studies showed function similar to wild-type levels (Supplemental Data Set, Shah et al. 2023. PubMed ID: 36864747). At this time, the clinical significance of this variant is uncertain due to the absence of conclusive functional and genetic evidence.

NM_000939.4(POMC):c.343C>T (p.Pro115Ser)

Gene: POMC (proopiomelanocortin; minus strand). Cytogenetic location: 2p23.3.
Variant type: single nucleotide variant.
Coding change: c.343C>T on transcript NM_000939.4 (MANE Select); coding-DNA position 343, C replaced by T.
Protein change: p.Pro115Ser; replaces proline 115 with serine.
Molecular consequence: missense variant.
Genome position (GRCh38, 1-based): chr2:25,161,542, G>A on the plus strand (C>T on the coding strand, the complement: POMC is on the minus strand). VCF-style: chr2-25161542-G-A. GRCh37 (hg19) VCF-style: chr2-25384411-G-A.
Other names: c.343C>T, p.Pro115Ser (NM_001035256.3, NM_001319204.2, NM_001319205.2); short protein forms P115S.
Identifiers: ClinVar variation 4988143 (VCV004988143.1).